The following is an entry in ClinVar:

NM_000465.4(BARD1):c.2129_2132del (p.Asp710fs)

Gene: BARD1 (BRCA1 associated RING domain 1; minus strand). Cytogenetic location: 2q35.
Variant type: Deletion.
Coding change: c.2129_2132del on transcript NM_000465.4 (MANE Select); coding-DNA positions 2129 to 2132, 4 bases deleted (ACAG; older notation c.2129_2132delACAG).
Protein change: p.Asp710fs; shifts the reading frame from aspartic acid 710.
Molecular consequence: frameshift variant. On other transcripts: non-coding transcript variant (3).
Genome position (GRCh38, 1-based): chr2:214,728,878-214,728,881, CTGT deleted on the plus strand (ACAG on the coding strand, the reverse complement: BARD1 is on the minus strand); deleting any 4 consecutive bases within chr2:214,728,878-214,728,884 gives the same sequence; the c. name uses the placement nearest the transcript's 3' end. VCF-style (leftmost placement, unchanged base first): chr2-214728877-ACTGT-A. GRCh37 (hg19) VCF-style: chr2-215593601-ACTGT-A.
Other names: c.2072_2075del, p.Asp691fs (NM_001282543.2); c.776_779del, p.Asp259fs (NM_001282545.2); c.719_722del, p.Asp240fs (NM_001282548.2); c.590_593del, p.Asp197fs (NM_001282549.2); short protein forms D259fs, D691fs, D710fs, D197fs, D240fs.
Identifiers: ClinVar variation 847596 (VCV000847596.14), dbSNP rs1692216921, ClinGen allele CA916082281.

ClinVar aggregate classification (germline): Pathogenic/Likely pathogenic. Review status: criteria provided, multiple submitters, no conflicts (2 of 4 stars). 4 submissions from 4 submitters: Pathogenic (1); Likely pathogenic (3). Last evaluated 2025-08-18.

Conditions:
Hereditary cancer-predisposing syndrome. Also called: Tumor predisposition; Hereditary neoplastic syndrome; Neoplastic Syndromes, Hereditary; Hereditary Cancer Syndrome. Identifiers: Orphanet 140162, MedGen C0027672, MeSH D009386, MONDO:0015356.
Familial cancer of breast. Also called: hereditary breast carcinoma; Hereditary breast cancer; BREAST CANCER, FAMILIAL. Identifiers: Orphanet 227535, MedGen C0346153, MONDO:0016419, OMIM 114480. Disease mechanism: loss of function.

Submissions (4):

Labcorp Genetics (formerly Invitae), Labcorp
Classification: Likely pathogenic for Familial cancer of breast. Last evaluated: 2025-08-18. Review status: criteria provided, single submitter. Criteria: Invitae Variant Classification Sherloc (09022015). Collection method: clinical testing. Allele origin: germline.
Comment: This sequence change creates a premature translational stop signal (p.Asp710Valfs*3) in the BARD1 gene. While this is not anticipated to result in nonsense mediated decay, it is expected to disrupt the last 68 amino acid(s) of the BARD1 protein. This variant is not present in population databases (gnomAD no frequency). This variant has not been reported in the literature in individuals affected with BARD1-related conditions. ClinVar contains an entry for this variant (Variation ID: 847596). This variant disrupts the C-terminal BRCT domain of BARD1 protein, which is required for chromosome stability and homology-directed repair (PMID: 17848578). A different variant (p.Val767fs) that lies downstream of this variant has been reported to affect BARD1 protein function (PMID: 30925164), this suggests that disruption of this region of the protein is causative of disease. In summary, the currently available evidence indicates that the variant is pathogenic, but additional data are needed to prove that conclusively. Therefore, this variant has been classified as Likely Pathogenic.

Ambry Genetics
Classification: Likely pathogenic for Hereditary cancer-predisposing syndrome. Last evaluated: 2024-03-20. Review status: criteria provided, single submitter. Criteria: Ambry Variant Classification Scheme 2023. Collection method: clinical testing. Allele origin: germline.
Comment: The c.2129_2132delACAG variant, located in coding exon 11 of the BARD1 gene, results from a deletion of 4 nucleotides at nucleotide positions 2129 to 2132, causing a translational frameshift with a predicted alternate stop codon (p.D710Vfs*3). This alteration occurs at the 3' terminus of theBARD1 gene, is not expected to trigger nonsense-mediated mRNA decay, and only impacts the last 67 amino acids of the protein. However, premature stop codons are typically deleterious in nature and the impacted region is critical for protein function (Ambry internal data). In addition, this alteration impacts the BRCT domain of BARD1, which has been shown to be necessary for homology-directed DNA repair (Laufer M et al. J Biol Chem. 2007 Nov;282:34325-33, Adamovich AI et al. PLoS Genet. 2019 03;15:e1008049). Based on the majority of available evidence to date, this variant is likely to be pathogenic.

Myriad Genetics, Inc.
Classification: Pathogenic for Familial cancer of breast. Last evaluated: 2023-05-25. Review status: criteria provided, single submitter. Criteria: Myriad Autosomal Dominant, Autosomal Recessive and X-Linked Classification Criteria (2023). Collection method: clinical testing. Allele origin: unknown.
Comment: This variant is considered pathogenic. This variant creates a frameshift predicted to result in premature protein truncation.

Revvity Omics, Revvity
Classification: Likely pathogenic. Last evaluated: 2021-09-06. Review status: criteria provided, single submitter. Criteria: ACMG Guidelines, 2015. Collection method: clinical testing. Allele origin: germline.

Literature cited by the submitters: PubMed 17848578 (cited by Labcorp Genetics (formerly Invitae), Labcorp and Ambry Genetics); PubMed 30925164 (cited by Labcorp Genetics (formerly Invitae), Labcorp and Ambry Genetics); PubMed 33498765 (cited by Ambry Genetics).